The following is an entry in ClinVar:

NM_024642.5(GALNT12):c.466G>C (p.Val156Leu)

Gene: GALNT12 (polypeptide N-acetylgalactosaminyltransferase 12; plus strand). Cytogenetic location: 9q22.33.
Variant type: single nucleotide variant.
Coding change: c.466G>C on transcript NM_024642.5 (MANE Select); coding-DNA position 466, G replaced by C.
Protein change: p.Val156Leu; replaces valine 156 with leucine.
Molecular consequence: missense variant.
Genome position (GRCh38, 1-based): chr9:98,823,350, G>C. VCF-style: chr9-98823350-G-C. GRCh37 (hg19) VCF-style: chr9-101585632-G-C.
Other names: short protein forms V156L.
Identifiers: ClinVar variation 4670639 (VCV004670639.1).

ClinVar aggregate classification (germline): Uncertain significance (1 of 4 stars; one submission).

Submission:

Ambry Genetics
Classification: Uncertain significance. Last evaluated: 2025-12-12. Review status: criteria provided, single submitter. Criteria: Ambry Variant Classification Scheme 2023. Collection method: clinical testing. Allele origin: germline.
Comment: The p.V156L variant (also known as c.466G>C), located in coding exon 2 of the GALNT12 gene, results from a G to C substitution at nucleotide position 466. The valine at codon 156 is replaced by leucine, an amino acid with highly similar properties. This amino acid position is conserved. In addition, the in silico prediction for this alteration is inconclusive. Based on the available evidence, the clinical significance of this variant remains unclear.